The following is an entry in ClinVar:

ClinVar aggregate classification (germline): Uncertain significance (1 of 4 stars; one submission).

Allele frequency attached by ClinVar (database versions not stated): ExAC 0.00002.
gnomAD v4.1: 8 of 1,614,200 alleles (0.0005%); highest among the groups gnomAD compares: South Asian, 0.0088%; no homozygotes.

Submission:

Labcorp Genetics (formerly Invitae), Labcorp
Classification: Uncertain significance. Last evaluated: 2022-09-13. Review status: criteria provided, single submitter. Criteria: Invitae Variant Classification Sherloc (09022015). Collection method: clinical testing. Allele origin: germline.
Comment: This variant has not been reported in the literature in individuals affected with SZT2-related conditions. Advanced modeling of protein sequence and biophysical properties (such as structural, functional, and spatial information, amino acid conservation, physicochemical variation, residue mobility, and thermodynamic stability) performed at Invitae indicates that this missense variant is not expected to disrupt SZT2 protein function. In summary, the available evidence is currently insufficient to determine the role of this variant in disease. Therefore, it has been classified as a Variant of Uncertain Significance. This variant is present in population databases (rs747416633, gnomAD 0.01%). This sequence change replaces leucine, which is neutral and non-polar, with valine, which is neutral and non-polar, at codon 2780 of the SZT2 protein (p.Leu2780Val).

NM_001365999.1(SZT2):c.8509C>G (p.Leu2837Val)

Gene: SZT2 (SZT2 subunit of KICSTOR complex; plus strand). Cytogenetic location: 1p34.2.
Variant type: single nucleotide variant.
Coding change: c.8509C>G on transcript NM_001365999.1 (MANE Select); coding-DNA position 8509, C replaced by G.
Protein change: p.Leu2837Val; replaces leucine 2837 with valine.
Molecular consequence: missense variant.
Genome position (GRCh38, 1-based): chr1:43,443,361, C>G. VCF-style: chr1-43443361-C-G. GRCh37 (hg19) VCF-style: chr1-43909032-C-G.
Other names: c.8338C>G, p.Leu2780Val (NM_015284.4); short protein forms L2780V, L2837V.
Identifiers: ClinVar variation 1993115 (VCV001993115.4), dbSNP rs747416633, ClinGen allele CA810588.